The following is an entry in ClinVar:

ClinVar aggregate classification (germline): Uncertain significance (1 of 4 stars; one submission).

Allele frequency attached by ClinVar (database versions not stated): gnomAD 0.00001; gnomAD exomes 0.00002; TOPMed below 0.00001; ExAC 0.00001.
gnomAD v4.1: 16 of 1,614,032 alleles (0.00099%); highest among the groups gnomAD compares: Non-Finnish European, 0.0013%; no homozygotes.

Submission:

Labcorp Genetics (formerly Invitae), Labcorp
Classification: Uncertain significance. Last evaluated: 2022-02-27. Review status: criteria provided, single submitter. Criteria: Invitae Variant Classification Sherloc (09022015). Collection method: clinical testing. Allele origin: germline.
Comment: This sequence change replaces leucine, which is neutral and non-polar, with phenylalanine, which is neutral and non-polar, at codon 330 of the ASAH1 protein (p.Leu330Phe). This variant is present in population databases (rs775925324, gnomAD 0.003%). This variant has not been reported in the literature in individuals affected with ASAH1-related conditions. Algorithms developed to predict the effect of missense changes on protein structure and function are either unavailable or do not agree on the potential impact of this missense change (SIFT: "Deleterious"; PolyPhen-2: "Benign"; Align-GVGD: "Class C0"). In summary, the available evidence is currently insufficient to determine the role of this variant in disease. Therefore, it has been classified as a Variant of Uncertain Significance.

NM_177924.5(ASAH1):c.988C>T (p.Leu330Phe)

Gene: ASAH1 (N-acylsphingosine amidohydrolase 1; minus strand). Cytogenetic location: 8p22.
Variant type: single nucleotide variant.
Coding change: c.988C>T on transcript NM_177924.5 (MANE Select); coding-DNA position 988, C replaced by T.
Protein change: p.Leu330Phe; replaces leucine 330 with phenylalanine.
Molecular consequence: missense variant.
Genome position (GRCh38, 1-based): chr8:18,059,394, G>A on the plus strand (C>T on the coding strand, the complement: ASAH1 is on the minus strand). VCF-style: chr8-18059394-G-A. GRCh37 (hg19) VCF-style: chr8-17916903-G-A.
Other names: c.970C>T, p.Leu324Phe (NM_001127505.3); c.793C>T, p.Leu265Phe (NM_001363743.2); c.1036C>T, p.Leu346Phe (NM_004315.6); short protein forms L330F, L346F, L324F, L265F.
Identifiers: ClinVar variation 1485173 (VCV001485173.5), dbSNP rs775925324, ClinGen allele CA4650602.